The following is an entry in ClinVar:

NM_000059.4(BRCA2):c.6011_6017del (p.Glu2004fs)

Gene: BRCA2 (BRCA2 DNA repair associated; plus strand). Cytogenetic location: 13q13.1.
Variant type: Deletion.
Coding change: c.6011_6017del on transcript NM_000059.4 (MANE Select); coding-DNA positions 6011 to 6017, 7 bases deleted (AAGATAG; older notation c.6011_6017delAAGATAG).
Protein change: p.Glu2004fs; shifts the reading frame from glutamic acid 2004.
Molecular consequence: frameshift variant.
Genome position (GRCh38, 1-based): chr13:32,340,366-32,340,372, AAGATAG deleted; deleting any 7 consecutive bases within chr13:32,340,362-32,340,372 gives the same sequence; the c. name uses the placement nearest the transcript's 3' end. VCF-style (leftmost placement, unchanged base first): chr13-32340361-AATAGAAG-A. GRCh37 (hg19) VCF-style: chr13-32914498-AATAGAAG-A.
Other names: 6239del7; c.6011_6017delAAGATAG (NM_000059.3).
Identifiers: ClinVar variation 38013 (VCV000038013.8), dbSNP rs397507362, ClinGen allele CA023508.
Genomic context (GRCh38, chr13:32,340,361, plus strand): 5'-TGGAAAATCTGTCCAGGTATCAGATGCTTCATTACAAAACGCAAGACAAGTGTTTTCTGA[AATAGAAG>A]ATAGTACCAAGCAAGTCTTTTCCAAAGTATTGTTTAAAAGTAACGAACATTCAGACCAGC-3'

ClinVar aggregate classification (germline): Pathogenic. Review status: reviewed by expert panel (3 of 4 stars). 6 submissions from 6 submitters: Pathogenic (1). 5 of the submissions do not count toward it. Last evaluated 2016-09-08.

Conditions:
Hereditary breast ovarian cancer syndrome. Also called: Hereditary breast and ovarian cancer; Hereditary breast and ovarian cancer syndrome (HBOC); Hereditary breast and/or ovarian cancer syndrome; Breast and ovarian cancer; Hereditary breast and ovarian cancer syndrome; BRCA1- and BRCA2-Associated Hereditary Breast and Ovarian Cancer. Identifiers: Orphanet 145, MedGen C0677776, MeSH D061325, MONDO:0003582. Disease mechanism: loss of function.
Breast-ovarian cancer, familial, susceptibility to, 2 (BROVCA2). Also called: BRCA2 Hereditary Breast and Ovarian Cancer. Identifiers: Orphanet 145, MedGen C2675520, MONDO:0012933, OMIM 612555. Disease mechanism: loss of function.
Familial cancer of breast. Also called: Hereditary breast cancer; BREAST CANCER, FAMILIAL; hereditary breast carcinoma. Identifiers: Orphanet 227535, MedGen C0346153, MONDO:0016419, OMIM 114480. Disease mechanism: loss of function.

Submissions (6):

Evidence-based Network for the Interpretation of Germline Mutant Alleles (ENIGMA)
Classification: Pathogenic for Breast-ovarian cancer, familial, susceptibility to, 2. Last evaluated: 2016-09-08. Review status: reviewed by expert panel. Criteria: ENIGMA BRCA1/2 Classification Criteria (2015). Collection method: curation. Allele origin: germline.
Comment: Variant allele predicted to encode a truncated non-functional protein.

Labcorp Genetics (formerly Invitae), Labcorp
Classification: Pathogenic for Hereditary breast ovarian cancer syndrome. Last evaluated: 2024-03-17. Review status: criteria provided, single submitter. Criteria: Invitae Variant Classification Sherloc (09022015). Collection method: clinical testing. Allele origin: germline. Not counted in ClinVar's aggregate classification.
Comment: This sequence change creates a premature translational stop signal (p.Glu2004Valfs*34) in the BRCA2 gene. It is expected to result in an absent or disrupted protein product. Loss-of-function variants in BRCA2 are known to be pathogenic (PMID: 20104584). This variant is not present in population databases (gnomAD no frequency). This variant has not been reported in the literature in individuals affected with BRCA2-related conditions. ClinVar contains an entry for this variant (Variation ID: 38013). For these reasons, this variant has been classified as Pathogenic.

Baylor Genetics
Classification: Pathogenic for Familial cancer of breast. Last evaluated: 2024-03-04. Review status: criteria provided, single submitter. Criteria: ACMG Guidelines, 2015. Collection method: clinical testing. Allele origin: unknown. Not counted in ClinVar's aggregate classification.

Consortium of Investigators of Modifiers of BRCA1/2 (CIMBA), c/o University of Cambridge
Classification: Pathogenic for Breast-ovarian cancer, familial, susceptibility to, 2. Last evaluated: 2015-10-02. Review status: criteria provided, single submitter. Criteria: CIMBA Mutation Classification guidelines May 2016. Collection method: clinical testing. Allele origin: germline. Not counted in ClinVar's aggregate classification.

Research Molecular Genetics Laboratory, Women's College Hospital, University of Toronto
Classification: Pathogenic for Hereditary breast ovarian cancer syndrome. Last evaluated: 2014-01-31. Review status: no assertion criteria provided. Collection method: research. Allele origin: germline. Affected: yes. Study: The Canadian Open Genetics Repository (COGR). Not counted in ClinVar's aggregate classification.

Sharing Clinical Reports Project (SCRP)
Classification: Pathogenic for Breast-ovarian cancer, familial 2. Last evaluated: 2009-03-04. Review status: no assertion criteria provided. Collection method: clinical testing. Allele origin: germline. Not counted in ClinVar's aggregate classification.

Literature cited by the submitters: PubMed 20104584 (cited by Labcorp Genetics (formerly Invitae), Labcorp).